The following is an entry in ClinVar:

ClinVar aggregate classification (germline): Uncertain significance (1 of 4 stars; one submission).

gnomAD v4.1: 1 of 1,613,338 alleles (0.000062%); highest among the groups gnomAD compares: Non-Finnish European, 0.000085%; no homozygotes.

Submission:

Labcorp Genetics (formerly Invitae), Labcorp
Classification: Uncertain significance. Last evaluated: 2025-09-03. Review status: criteria provided, single submitter. Criteria: Invitae Variant Classification Sherloc (09022015). Collection method: clinical testing. Allele origin: germline.
Comment: This sequence change falls in intron 22 of the ATR gene. It does not directly change the encoded amino acid sequence of the ATR protein. It affects a nucleotide within the consensus splice site. This variant is not present in population databases (gnomAD no frequency). This variant has not been reported in the literature in individuals affected with ATR-related conditions. Variants that disrupt the consensus splice site are a relatively common cause of aberrant splicing (PMID: 17576681, 9536098). Algorithms developed to predict the effect of sequence changes on RNA splicing suggest that this variant is not likely to affect RNA splicing. In summary, the available evidence is currently insufficient to determine the role of this variant in disease. Therefore, it has been classified as a Variant of Uncertain Significance.

Literature cited by the submitters: PubMed 17576681; PubMed 9536098.

NM_001184.4(ATR):c.4152+3A>G

Gene: ATR (ATR checkpoint kinase; minus strand). Cytogenetic location: 3q23.
Variant type: single nucleotide variant.
Coding change: c.4152+3A>G on transcript NM_001184.4 (MANE Select); 3 bases into the intron after coding-DNA position 4152, A replaced by G.
Molecular consequence: intron variant.
Genome position (GRCh38, 1-based): chr3:142,523,990, T>C on the plus strand (A>G on the coding strand, the complement: ATR is on the minus strand). VCF-style: chr3-142523990-T-C. GRCh37 (hg19) VCF-style: chr3-142242832-T-C.
Other names: c.3960+3A>G (NM_001354579.2).
Identifiers: ClinVar variation 4805526 (VCV004805526.1).